The following is an entry in ClinVar:

NM_000812.4(GABRB1):c.74C>G (p.Ala25Gly)

Gene: GABRB1 (gamma-aminobutyric acid type A receptor subunit beta1; plus strand). Cytogenetic location: 4p12.
Variant type: single nucleotide variant.
Coding change: c.74C>G on transcript NM_000812.4 (MANE Select); coding-DNA position 74, C replaced by G.
Protein change: p.Ala25Gly; replaces alanine 25 with glycine.
Molecular consequence: missense variant.
Genome position (GRCh38, 1-based): chr4:47,031,725, C>G. VCF-style: chr4-47031725-C-G. GRCh37 (hg19) VCF-style: chr4-47033742-C-G.
Other names: short protein forms A25G.
Identifiers: ClinVar variation 2585086 (VCV002585086.1), dbSNP rs1725307754, ClinGen allele CA356805269.

ClinVar aggregate classification (germline): Uncertain significance (1 of 4 stars; one submission).

Conditions:
Developmental and epileptic encephalopathy, 45 (DEE45). Also called: Epileptic encephalopathy, early infantile, 45. Identifiers: MedGen C4310691, MONDO:0014942, OMIM 617153.

Allele frequency attached by ClinVar (database versions not stated): gnomAD exomes below 0.00001; gnomAD 0.00001.
gnomAD v4.1: 3 of 1,612,746 alleles (0.00019%); highest among the groups gnomAD compares: South Asian, 0.0033%; no homozygotes.

Submission:

Neuberg Centre For Genomic Medicine, NCGM
Classification: Uncertain significance for Developmental and epileptic encephalopathy, 45. Review status: criteria provided, single submitter. Criteria: ACMG Guidelines, 2015. Collection method: clinical testing. Allele origin: germline. Inheritance: Autosomal dominant inheritance. Affected: yes.
Comment: The missense variant in c.74C>G(p.Ala25Gly) in GABRB1 gene has not been reported previously as a pathogenic variant nor as a benign variant, to our knowledge. The p.Ala25Gly variant is novel (not in any individuals) in gnomAD Exomes and 1000 Genomes. The amino acid change p.Ala25Gly in GABRB1 is predicted as conserved by GERP++ and PhyloP across 100 vertebrates. The amino acid Ala at position 25 is changed to a Gly changing protein sequence and it might alter its composition and physico-chemical properties. For these reasons, this variant has been classified as Uncertain Significance (VUS).